The following is an entry in ClinVar:

NM_003072.5(SMARCA4):c.1790C>T (p.Pro597Leu)

Gene: SMARCA4 (SWI/SNF related BAF chromatin remodeling complex subunit ATPase 4; plus strand). Cytogenetic location: 19p13.2.
Variant type: single nucleotide variant.
Coding change: c.1790C>T on transcript NM_003072.5 (MANE Select); coding-DNA position 1790, C replaced by T.
Protein change: p.Pro597Leu; replaces proline 597 with leucine.
Molecular consequence: missense variant. On other transcripts: non-coding transcript variant (1).
Genome position (GRCh38, 1-based): chr19:10,996,522, C>T. VCF-style: chr19-10996522-C-T. GRCh37 (hg19) VCF-style: chr19-11107198-C-T.
Other names: c.1790C>T, p.Pro597Leu (NM_001128844.3, NM_001128845.2, NM_001128846.2 and 6 more transcripts); short protein forms P597L.
Identifiers: ClinVar variation 1780184 (VCV001780184.5), dbSNP rs2145981070, ClinGen allele CA404064824.

ClinVar aggregate classification (germline): Uncertain significance. Review status: criteria provided, multiple submitters, no conflicts (2 of 4 stars). 2 submissions from 2 submitters: Uncertain significance (2). Last evaluated 2025-12-08.

Conditions:
Hereditary cancer-predisposing syndrome. Also called: Neoplastic Syndromes, Hereditary; Tumor predisposition; Hereditary Cancer Syndrome; Hereditary neoplastic syndrome. Identifiers: Orphanet 140162, MedGen C0027672, MeSH D009386, MONDO:0015356.
Rhabdoid tumor predisposition syndrome 2 (RTPS2). Identifiers: Orphanet 231108, Orphanet 69077, MedGen C2750074, MONDO:0013224, OMIM 613325.

Allele frequency attached by ClinVar (database versions not stated): gnomAD exomes below 0.00001.
gnomAD v4.1: 1 of 1,614,240 alleles (0.000062%); highest among the groups gnomAD compares: Non-Finnish European, 0.000085%; no homozygotes.

Submissions (2):

Ambry Genetics
Classification: Uncertain significance for Hereditary cancer-predisposing syndrome. Last evaluated: 2025-12-08. Review status: criteria provided, single submitter. Criteria: Ambry Variant Classification Scheme 2023. Collection method: clinical testing. Allele origin: germline.
Comment: The p.P597L variant (also known as c.1790C>T), located in coding exon 10 of the SMARCA4 gene, results from a C to T substitution at nucleotide position 1790. The proline at codon 597 is replaced by leucine, an amino acid with similar properties. This amino acid position is well conserved in available vertebrate species. In addition, the in silico prediction for this alteration is inconclusive. Missense and in-frame variants in SMARCA4 are known to cause neurodevelopmental disorders; however, such associations with rhabdoid tumor predisposition syndrome including small cell carcinoma of the ovary-hypercalcemic type (SCCOHT) are exceedingly rare (Kosho T et al. Am J Med Genet C Semin Med Genet. 2014 Sep;166C(3):262-75; Jelinic P et al. Nat Genet. 2014 May;46(5):424-6). Based on the supporting evidence, the association of this alteration with Coffin-Siris syndrome is unknown; however, the association of this alteration with rhabdoid tumor predisposition syndrome is unlikely.

Labcorp Genetics (formerly Invitae), Labcorp
Classification: Uncertain significance for Rhabdoid tumor predisposition syndrome 2. Last evaluated: 2024-04-25. Review status: criteria provided, single submitter. Criteria: Invitae Variant Classification Sherloc (09022015). Collection method: clinical testing. Allele origin: germline.
Comment: This sequence change replaces proline, which is neutral and non-polar, with leucine, which is neutral and non-polar, at codon 597 of the SMARCA4 protein (p.Pro597Leu). This variant is not present in population databases (gnomAD no frequency). This variant has not been reported in the literature in individuals affected with SMARCA4-related conditions. ClinVar contains an entry for this variant (Variation ID: 1780184). Advanced modeling of protein sequence and biophysical properties (such as structural, functional, and spatial information, amino acid conservation, physicochemical variation, residue mobility, and thermodynamic stability) performed at Invitae indicates that this missense variant is not expected to disrupt SMARCA4 protein function with a negative predictive value of 95%. In summary, the available evidence is currently insufficient to determine the role of this variant in disease. Therefore, it has been classified as a Variant of Uncertain Significance.